The following is an entry in ClinVar:

ClinVar aggregate classification (germline): Uncertain significance (1 of 4 stars; one submission).

Conditions:
Hereditary insensitivity to pain with anhidrosis (CIPA). Also called: INSENSITIVITY TO PAIN, CONGENITAL, WITH ANHIDROSIS; FAMILIAL DYSAUTONOMIA, TYPE II; NEUROPATHY, CONGENITAL SENSORY, WITH ANHIDROSIS; NTRK1 Congenital Insensitivity to Pain with Anhidrosis; HSAN Type IV; hereditary sensory and autonomic neuropathy type 4. Identifiers: Orphanet 642, MedGen C0020074, MONDO:0009746, OMIM 256800.

Submission:

Labcorp Genetics (formerly Invitae), Labcorp
Classification: Uncertain significance for Hereditary insensitivity to pain with anhidrosis. Last evaluated: 2023-06-06. Review status: criteria provided, single submitter. Criteria: Invitae Variant Classification Sherloc (09022015). Collection method: clinical testing. Allele origin: germline.
Comment: In summary, the available evidence is currently insufficient to determine the role of this variant in disease. Therefore, it has been classified as a Variant of Uncertain Significance. Variants that disrupt the consensus splice site are a relatively common cause of aberrant splicing (PMID: 17576681, 9536098). Algorithms developed to predict the effect of sequence changes on RNA splicing suggest that this variant may disrupt the consensus splice site. ClinVar contains an entry for this variant (Variation ID: 2414188). This variant has been observed in individual(s) with clinical features of NTRK1-related conditions (Invitae). This variant is not present in population databases (gnomAD no frequency). This sequence change falls in intron 1 of the NTRK1 gene. It does not directly change the encoded amino acid sequence of the NTRK1 protein. It affects a nucleotide within the consensus splice site.

Literature cited by the submitters: PubMed 17576681; PubMed 9536098.

NM_002529.4(NTRK1):c.212+5G>A

Gene: NTRK1 (neurotrophic receptor tyrosine kinase 1; plus strand). Cytogenetic location: 1q23.1.
Variant type: single nucleotide variant.
Coding change: c.212+5G>A on transcript NM_002529.4 (MANE Select); 5 bases into the intron after coding-DNA position 212, G replaced by A.
Molecular consequence: intron variant.
Genome position (GRCh38, 1-based): chr1:156,861,151, G>A. VCF-style: chr1-156861151-G-A. GRCh37 (hg19) VCF-style: chr1-156830943-G-A.
Other names: c.123-3203G>A (NM_001007792.1); c.212+5G>A (NM_001012331.2).
Identifiers: ClinVar variation 2414188 (VCV002414188.5), dbSNP rs1655629889, ClinGen allele CA1200778886.
Genomic context (GRCh38, chr1:156,861,151, plus strand): 5'-GATGGGGCCCTGGATAGCCTCCACCACCTGCCCGGCGCAGAGAACCTGACTGAGCTGTGA[G>A]TGTCCGGCGGGCGGTGGGGGGGCGCGGGGACAGGCAGGCATTGCAGTGCCCCGAGGGCGC-3'